The following is an entry in ClinVar:

NM_002641.4(PIGA):c.541A>G (p.Ile181Val)

Gene: PIGA (phosphatidylinositol glycan anchor biosynthesis class A; minus strand). Cytogenetic location: Xp22.2.
Variant type: single nucleotide variant.
Coding change: c.541A>G on transcript NM_002641.4 (MANE Select); coding-DNA position 541, A replaced by G.
Protein change: p.Ile181Val; replaces isoleucine 181 with valine.
Molecular consequence: missense variant. On other transcripts: intron variant (1).
Genome position (GRCh38, 1-based): chrX:15,331,390, T>C on the plus strand (A>G on the coding strand, the complement: PIGA is on the minus strand). VCF-style: chrX-15331390-T-C. GRCh37 (hg19) VCF-style: chrX-15349512-T-C.
Other names: c.13+4111A>G (NM_020473.3); short protein forms I181V.
Identifiers: ClinVar variation 2775848 (VCV002775848.3), dbSNP rs2519331411, ClinGen allele CA412339239.

ClinVar aggregate classification (germline): Uncertain significance (1 of 4 stars; one submission).

Conditions:
Multiple congenital anomalies-hypotonia-seizures syndrome 2 (MCAHS2). Also called: GLYCOSYLPHOSPHATIDYLINOSITOL BIOSYNTHESIS DEFECT 4; EPILEPTIC ENCEPHALOPATHY, EARLY INFANTILE, 20. Identifiers: Orphanet 300496, MedGen C3275508, MONDO:0010466, OMIM 300868.

Submission:

Labcorp Genetics (formerly Invitae), Labcorp
Classification: Uncertain significance for Multiple congenital anomalies-hypotonia-seizures syndrome 2. Last evaluated: 2023-10-16. Review status: criteria provided, single submitter. Criteria: Invitae Variant Classification Sherloc (09022015). Collection method: clinical testing. Allele origin: germline.
Comment: This sequence change replaces isoleucine, which is neutral and non-polar, with valine, which is neutral and non-polar, at codon 181 of the PIGA protein (p.Ile181Val). This variant is not present in population databases (gnomAD no frequency). This variant has not been reported in the literature in individuals affected with PIGA-related conditions. Advanced modeling of protein sequence and biophysical properties (such as structural, functional, and spatial information, amino acid conservation, physicochemical variation, residue mobility, and thermodynamic stability) performed at Invitae indicates that this missense variant is not expected to disrupt PIGA protein function. In summary, the available evidence is currently insufficient to determine the role of this variant in disease. Therefore, it has been classified as a Variant of Uncertain Significance.